The following is an entry in ClinVar:

NM_002528.7(NTHL1):c.823G>A (p.Val275Met)

Gene: NTHL1 (nth like DNA glycosylase 1; minus strand). Cytogenetic location: 16p13.3.
Variant type: single nucleotide variant.
Coding change: c.823G>A on transcript NM_002528.7 (MANE Select); coding-DNA position 823, G replaced by A.
Protein change: p.Val275Met; replaces valine 275 with methionine.
Molecular consequence: missense variant.
Genome position (GRCh38, 1-based): chr16:2,040,016, C>T on the plus strand (G>A on the coding strand, the complement: NTHL1 is on the minus strand). VCF-style: chr16-2040016-C-T. GRCh37 (hg19) VCF-style: chr16-2090017-C-T.
Other names: c.652G>A, p.Val218Met (NM_001318193.2); c.493G>A, p.Val165Met (NM_001318194.2); c.823G>A, p.Val275Met (LRG_1366t1); short protein forms V218M, V275M, V165M.
Identifiers: ClinVar variation 647740 (VCV000647740.17), dbSNP rs759411504, ClinGen allele CA7828087.

ClinVar aggregate classification (germline): Uncertain significance. Review status: criteria provided, multiple submitters, no conflicts (2 of 4 stars). 4 submissions from 4 submitters: Uncertain significance (4). Last evaluated 2025-12-14.

Conditions:
Familial adenomatous polyposis 3. Also called: NTHL1-associated polyposis; NTHL1-related attenuated familial adenomatous polyposis; NTHL1-Related Adenomatous Polyposis and Colorectal Cancer; NTHL1 Tumor Syndrome. Identifiers: Orphanet 220460, Orphanet 454840, MedGen C4225157, MONDO:0014630, OMIM 616415.
Hereditary cancer-predisposing syndrome. Also called: Neoplastic Syndromes, Hereditary; Hereditary Cancer Syndrome; Tumor predisposition; Hereditary neoplastic syndrome. Identifiers: Orphanet 140162, MedGen C0027672, MeSH D009386, MONDO:0015356.

Allele frequency attached by ClinVar (database versions not stated): gnomAD exomes below 0.00001 and 0.00003; TOPMed below 0.00001; ExAC 0.00001.
gnomAD v4.1: 44 of 1,612,030 alleles (0.0027%); highest among the groups gnomAD compares: Non-Finnish European, 0.0037%; no homozygotes.

Submissions (4):

Ambry Genetics
Classification: Uncertain significance for Hereditary cancer-predisposing syndrome. Last evaluated: 2025-12-14. Review status: criteria provided, single submitter. Criteria: Ambry Variant Classification Scheme 2023. Collection method: clinical testing. Allele origin: germline.
Comment: The p.V283M variant (also known as c.847G>A), located in coding exon 6 of the NTHL1 gene, results from a G to A substitution at nucleotide position 847. The valine at codon 283 is replaced by methionine, an amino acid with highly similar properties. This alteration was identified in an individual diagnosed with breast cancer (Li N et al. NPJ Breast Cancer, 2021 May;7:52). This amino acid position is highly conserved in available vertebrate species. In addition, this alteration is predicted to be deleterious by in silico analysis. Since supporting evidence is limited at this time, the clinical significance of this alteration remains unclear.

Labcorp Genetics (formerly Invitae), Labcorp
Classification: Uncertain significance. Last evaluated: 2025-09-22. Review status: criteria provided, single submitter. Criteria: Invitae Variant Classification Sherloc (09022015). Collection method: clinical testing. Allele origin: germline.
Comment: This sequence change replaces valine, which is neutral and non-polar, with methionine, which is neutral and non-polar, at codon 283 of the NTHL1 protein (p.Val283Met). This variant is present in population databases (rs759411504, gnomAD 0.0009%). This missense change has been observed in individual(s) with breast cancer (PMID: 33980861). ClinVar contains an entry for this variant (Variation ID: 647740). An algorithm developed to predict the effect of missense changes on protein structure and function (PolyPhen-2) suggests that this variant is likely to be disruptive. In summary, the available evidence is currently insufficient to determine the role of this variant in disease. Therefore, it has been classified as a Variant of Uncertain Significance.

St. Jude Molecular Pathology, St. Jude Children's Research Hospital
Classification: Uncertain significance for Familial adenomatous polyposis 3. Last evaluated: 2024-05-12. Review status: criteria provided, single submitter. Criteria: St. Jude Assertion Criteria 2020. Collection method: clinical testing. Allele origin: germline.
Comment: The NTHL1 c.823G>A (p.Val275Met) missense change has a maximum subpopulation frequency of 0.0009% in gnomAD v2.1.1. The in silico tool REVEL predicts a deleterious effect on protein function, but to our knowledge this prediction has not been confirmed by functional studies. To our knowledge, this variant has not been reported in individuals with NTHL1-associated polyposis. In summary, the evidence currently available is insufficient to determine the clinical significance of this variant. It has therefore been classified as of uncertain significance.

GeneDx
Classification: Uncertain significance. Last evaluated: 2022-03-14. Review status: criteria provided, single submitter. Criteria: GeneDx Variant Classification Process June 2021. Collection method: clinical testing. Allele origin: germline. Affected: yes.
Comment: Not observed at a significant frequency in large population cohorts (gnomAD); In silico analysis supports that this missense variant has a deleterious effect on protein structure/function; Observed in an individual with breast cancer (Li 2021); Also known as 823G>A; This variant is associated with the following publications: (PMID: 33980861)

Literature cited by the submitters: PubMed 33980861 (cited by Ambry Genetics and Labcorp Genetics (formerly Invitae), Labcorp).